The following is an entry in ClinVar:

NM_001197104.2(KMT2A):c.1033A>G (p.Lys345Glu)

Gene: KMT2A (lysine methyltransferase 2A; plus strand). Cytogenetic location: 11q23.3.
Variant type: single nucleotide variant.
Coding change: c.1033A>G on transcript NM_001197104.2 (MANE Select); coding-DNA position 1033, A replaced by G.
Protein change: p.Lys345Glu; replaces lysine 345 with glutamic acid.
Molecular consequence: missense variant.
Genome position (GRCh38, 1-based): chr11:118,472,192, A>G. VCF-style: chr11-118472192-A-G. GRCh37 (hg19) VCF-style: chr11-118342907-A-G.
Other names: c.1132A>G, p.Lys378Glu (NM_001412597.1); c.1033A>G, p.Lys345Glu (NM_005933.4); short protein forms K378E, K345E.
Identifiers: ClinVar variation 1941740 (VCV001941740.5), dbSNP rs1555035777, ClinGen allele CA382808927.
Genomic context (GRCh38, chr11:118,472,192, plus strand): 5'-GAAAAGCCCCAGAAAGTCCGGAAAGACAAGGAAGGAACACCTCCACTTACAAAAGAAGAT[A>G]AGACAGTTGTCAGACAAAGCCCTCGAAGGATTAAGCCAGTTAGGATTATTCCTTCTTCAA-3'
Protein context (NP_001184033.1, residues 335-355): EGTPPLTKED[Lys345Glu]TVVRQSPRRI

ClinVar aggregate classification (germline): Uncertain significance (1 of 4 stars; one submission).

Allele frequency attached by ClinVar (database versions not stated): gnomAD exomes below 0.00001.
gnomAD v4.1: 2 of 1,613,854 alleles (0.00012%); highest among the groups gnomAD compares: Non-Finnish European, 0.00017%; no homozygotes.

Submission:

Labcorp Genetics (formerly Invitae), Labcorp
Classification: Uncertain significance. Last evaluated: 2025-06-15. Review status: criteria provided, single submitter. Criteria: Invitae Variant Classification Sherloc (09022015). Collection method: clinical testing. Allele origin: germline.
Comment: This sequence change replaces lysine, which is basic and polar, with glutamic acid, which is acidic and polar, at codon 345 of the KMT2A protein (p.Lys345Glu). This variant is present in population databases (no rsID available, gnomAD 0.0009%). This variant has not been reported in the literature in individuals affected with KMT2A-related conditions. ClinVar contains an entry for this variant (Variation ID: 1941740). Invitae Evidence Modeling of protein sequence and biophysical properties (such as structural, functional, and spatial information, amino acid conservation, physicochemical variation, residue mobility, and thermodynamic stability) has been performed for this missense variant. However, the output from this modeling did not meet the statistical confidence thresholds required to predict the impact of this variant on KMT2A protein function. In summary, the available evidence is currently insufficient to determine the role of this variant in disease. Therefore, it has been classified as a Variant of Uncertain Significance.